The following is an entry in ClinVar:

NM_015214.3(DDHD2):c.455A>G (p.Lys152Arg)

Gene: DDHD2 (DDHD domain containing 2; plus strand). Cytogenetic location: 8p11.23.
Variant type: single nucleotide variant.
Coding change: c.455A>G on transcript NM_015214.3 (MANE Select); coding-DNA position 455, A replaced by G.
Protein change: p.Lys152Arg; replaces lysine 152 with arginine.
Molecular consequence: missense variant. On other transcripts: non-coding transcript variant (2).
Genome position (GRCh38, 1-based): chr8:38,237,581, A>G. VCF-style: chr8-38237581-A-G. GRCh37 (hg19) VCF-style: chr8-38095099-A-G.
Other names: c.455A>G, p.Lys152Arg (NM_001164232.2, NM_001164234.2, NM_001362911.2 and 3 more transcripts); c.455A>G (NM_015214.2); short protein forms K152R.
Identifiers: ClinVar variation 2202017 (VCV002202017.5), dbSNP rs143782453, ClinGen allele CA4715979.

ClinVar aggregate classification (germline): Uncertain significance. Review status: criteria provided, multiple submitters, no conflicts (2 of 4 stars). 2 submissions from 2 submitters: Uncertain significance (2). Last evaluated 2025-05-05.

Conditions:
Inborn genetic diseases. Identifiers: MedGen C0950123, MeSH D030342.
Hereditary spastic paraplegia 54. Also called: Spastic paraplegia 54, autosomal recessive. Identifiers: Orphanet 320380, MedGen C3539495, MONDO:0014018, OMIM 615033.

Allele frequency attached by ClinVar (database versions not stated): gnomAD exomes 0.00001; ExAC 0.00003; gnomAD 0.00007; ESP Exome Variant Server 0.00008; TOPMed 0.00013.
gnomAD v4.1: 24 of 1,597,652 alleles (0.0015%); highest among the groups gnomAD compares: African/African-American, 0.032%; no homozygotes.

Submissions (2):

Labcorp Genetics (formerly Invitae), Labcorp
Classification: Uncertain significance for Hereditary spastic paraplegia 54. Last evaluated: 2025-05-05. Review status: criteria provided, single submitter. Criteria: Invitae Variant Classification Sherloc (09022015). Collection method: clinical testing. Allele origin: germline.
Comment: This sequence change replaces lysine, which is basic and polar, with arginine, which is basic and polar, at codon 152 of the DDHD2 protein (p.Lys152Arg). This variant is present in population databases (rs143782453, gnomAD 0.02%). This variant has not been reported in the literature in individuals affected with DDHD2-related conditions. ClinVar contains an entry for this variant (Variation ID: 2202017). Invitae Evidence Modeling of protein sequence and biophysical properties (such as structural, functional, and spatial information, amino acid conservation, physicochemical variation, residue mobility, and thermodynamic stability) indicates that this missense variant is not expected to disrupt DDHD2 protein function with a negative predictive value of 80%. In summary, the available evidence is currently insufficient to determine the role of this variant in disease. Therefore, it has been classified as a Variant of Uncertain Significance.

Ambry Genetics
Classification: Uncertain significance for Inborn genetic diseases. Last evaluated: 2024-11-09. Review status: criteria provided, single submitter. Criteria: Ambry Variant Classification Scheme 2023. Collection method: clinical testing. Allele origin: germline.